The following is an entry in ClinVar:

ClinVar aggregate classification (germline): Uncertain significance. Review status: criteria provided, multiple submitters, no conflicts (2 of 4 stars). 2 submissions from 2 submitters: Uncertain significance (2). Last evaluated 2022-03-26.

Conditions:
Lipoic acid synthetase deficiency. Also called: HYPERGLYCINEMIA, LACTIC ACIDOSIS, AND SEIZURES. Identifiers: Orphanet 401859, MedGen C3280887, MONDO:0013762, OMIM 614462.
Inborn genetic diseases. Identifiers: MedGen C0950123, MeSH D030342.

Allele frequency attached by ClinVar (database versions not stated): ExAC 0.00001; gnomAD 0.00001; 1000 Genomes Project 30x 0.00016; 1000 Genomes Project 0.00020.
gnomAD v4.1: 1 of 1,613,484 alleles (0.000062%); highest among the groups gnomAD compares: Admixed American, 0.0017%; no homozygotes.

Submissions (2):

Labcorp Genetics (formerly Invitae), Labcorp
Classification: Uncertain significance for Lipoic acid synthetase deficiency. Last evaluated: 2022-03-26. Review status: criteria provided, single submitter. Criteria: Invitae Variant Classification Sherloc (09022015). Collection method: clinical testing. Allele origin: germline.
Comment: In summary, the available evidence is currently insufficient to determine the role of this variant in disease. Therefore, it has been classified as a Variant of Uncertain Significance. Algorithms developed to predict the effect of missense changes on protein structure and function output the following: SIFT: "Tolerated"; PolyPhen-2: "Benign"; Align-GVGD: "Class C0". The serine amino acid residue is found in multiple mammalian species, which suggests that this missense change does not adversely affect protein function. This variant has not been reported in the literature in individuals affected with LIAS-related conditions. This variant is present in population databases (rs573005019, gnomAD 0.003%). This sequence change replaces threonine, which is neutral and polar, with serine, which is neutral and polar, at codon 11 of the LIAS protein (p.Thr11Ser).

Ambry Genetics
Classification: Uncertain significance for Inborn genetic diseases. Last evaluated: 2021-08-10. Review status: criteria provided, single submitter. Criteria: Ambry Variant Classification Scheme 2023. Collection method: clinical testing. Allele origin: germline.

NM_006859.4(LIAS):c.32C>G (p.Thr11Ser)

Genes: LIAS (lipoic acid synthetase; plus strand), LOC112939935 (Sharpr-MPRA regulatory region 11886; plus strand). Cytogenetic location: 4p14.
Variant type: single nucleotide variant.
Coding change: c.32C>G on transcript NM_006859.4 (MANE Select); coding-DNA position 32, C replaced by G.
Protein change: p.Thr11Ser; replaces threonine 11 with serine.
Molecular consequence: missense variant.
Genome position (GRCh38, 1-based): chr4:39,459,149, C>G. VCF-style: chr4-39459149-C-G. GRCh37 (hg19) VCF-style: chr4-39460769-C-G.
Other names: c.32C>G (NM_006859.2); c.32C>G, p.Thr11Ser (NM_001278590.2, NM_001278591.2, NM_001278592.2 and 2 more transcripts); short protein forms T11S.
Identifiers: ClinVar variation 2242435 (VCV002242435.8), dbSNP rs573005019, ClinGen allele CA2894540.